The following is an entry in ClinVar:

NM_139343.3(BIN1):c.1163C>G (p.Ala388Gly)

Gene: BIN1 (bridging integrator 1; minus strand). Cytogenetic location: 2q14.3.
Variant type: single nucleotide variant.
Coding change: c.1163C>G on transcript NM_139343.3 (MANE Select); coding-DNA position 1163, C replaced by G.
Protein change: p.Ala388Gly; replaces alanine 388 with glycine.
Molecular consequence: missense variant. On other transcripts: intron variant (12).
Genome position (GRCh38, 1-based): chr2:127,053,981, G>C on the plus strand (C>G on the coding strand, the complement: BIN1 is on the minus strand). VCF-style: chr2-127053981-G-C. GRCh37 (hg19) VCF-style: chr2-127811557-G-C.
Other names: c.1070C>G, p.Ala357Gly (NM_001320641.2); c.1082C>G, p.Ala361Gly (NM_001320642.1); c.1034C>G, p.Ala345Gly (NM_139344.3); c.838-3069C>G (NM_001320634.1); c.910-3069C>G (NM_139351.3); c.910-2738C>G (NM_139350.3); c.910-1619C>G (NM_139349.3); c.1039-2738C>G (NM_139348.3); and 7 more; short protein forms A345G, A388G, A361G, A357G.
Identifiers: ClinVar variation 4208981 (VCV004208981.2).

ClinVar aggregate classification (germline): Uncertain significance. Review status: criteria provided, multiple submitters, no conflicts (2 of 4 stars). 2 submissions from 2 submitters: Uncertain significance (2). Last evaluated 2025-07-18.

Conditions:
Myopathy, centronuclear, 2 (CNM2). Also called: MYOTUBULAR MYOPATHY, AUTOSOMAL RECESSIVE. Identifiers: Orphanet 169186, MedGen CN031787, MONDO:0009709, OMIM 255200.
Inborn genetic diseases. Identifiers: MedGen C0950123, MeSH D030342.

gnomAD v4.1: 11 of 1,551,418 alleles (0.00071%); highest among the groups gnomAD compares: Non-Finnish European, 0.00096%; no homozygotes.

Submissions (2):

Ambry Genetics
Classification: Uncertain significance for Inborn genetic diseases. Last evaluated: 2025-07-18. Review status: criteria provided, single submitter. Criteria: Ambry Variant Classification Scheme 2023. Collection method: clinical testing. Allele origin: germline.

Labcorp Genetics (formerly Invitae), Labcorp
Classification: Uncertain significance for Myopathy, centronuclear, 2. Last evaluated: 2025-07-06. Review status: criteria provided, single submitter. Criteria: Invitae Variant Classification Sherloc (09022015). Collection method: clinical testing. Allele origin: germline.
Comment: This sequence change replaces alanine, which is neutral and non-polar, with glycine, which is neutral and non-polar, at codon 388 of the BIN1 protein (p.Ala388Gly). This variant is not present in population databases (gnomAD no frequency). This variant has not been reported in the literature in individuals affected with BIN1-related conditions. An algorithm developed to predict the effect of missense changes on protein structure and function (PolyPhen-2) suggests that this variant is likely to be tolerated. In summary, the available evidence is currently insufficient to determine the role of this variant in disease. Therefore, it has been classified as a Variant of Uncertain Significance.